The following is an entry in ClinVar:

ClinVar aggregate classification (germline): Uncertain significance (1 of 4 stars; one submission).

Conditions:
Congenital myasthenic syndrome 12 (CMS12). Also called: Myasthenia, congenital, 12, with tubular aggregates; MYASTHENIC SYNDROME, CONGENITAL, WITH TUBULAR AGGREGATES 1. Identifiers: Orphanet 353327, Orphanet 590, MedGen C3552335, MONDO:0012518, OMIM 610542.

gnomAD v4.1: 5 of 1,613,876 alleles (0.00031%); highest among the groups gnomAD compares: East Asian, 0.0089%; no homozygotes.

Submission:

Juno Genomics, Hangzhou Juno Genomics, Inc
Classification: Uncertain significance for Congenital myasthenic syndrome 12. Review status: criteria provided, single submitter. Criteria: ACMG Guidelines, 2015. Collection method: clinical testing. Allele origin: germline.
Comment: Missense variant in a gene that has a low rate of benign missense variation.;Multiple lines of computational evidence support a deleterious effect on the gene or gene product.;Absent from controls (or at extremely low frequency if recessive) in Genome Aggregation Database.

NM_001244710.2(GFPT1):c.319A>G (p.Ser107Gly)

Gene: GFPT1 (glutamine--fructose-6-phosphate transaminase 1; minus strand). Cytogenetic location: 2p13.3.
Variant type: single nucleotide variant.
Coding change: c.319A>G on transcript NM_001244710.2 (MANE Select); coding-DNA position 319, A replaced by G.
Protein change: p.Ser107Gly; replaces serine 107 with glycine.
Molecular consequence: missense variant.
Genome position (GRCh38, 1-based): chr2:69,363,575, T>C on the plus strand (A>G on the coding strand, the complement: GFPT1 is on the minus strand). VCF-style: chr2-69363575-T-C. GRCh37 (hg19) VCF-style: chr2-69590707-T-C.
Other names: c.319A>G, p.Ser107Gly (NM_002056.4); short protein forms S107G.
Identifiers: ClinVar variation 5006319 (VCV005006319.2).